The following is an entry in ClinVar:

ClinVar aggregate classification (germline): Uncertain significance (1 of 4 stars; one submission).

Conditions:
CHARGE syndrome (CHARGE). Also called: Coloboma, heart anomaly, choanal atresia, retardation, genital and ear anomalies; CHARGE association; Hall-Hittner syndrome; Hittner Hirsch Kreh syndrome; CHARGE ASSOCIATION--COLOBOMA, HEART ANOMALY, CHOANAL ATRESIA, RETARDATION, GENITAL AND EAR ANOMALIES. Identifiers: Orphanet 138, MedGen C0265354, MONDO:0008965.
Hypogonadotropic hypogonadism 5 with or without anosmia (KAL5). Also called: HYPOGONADOTROPIC HYPOGONADISM 5 WITH ANOSMIA; HYPOGONADOTROPHIC HYPOGONADISM 5 WITHOUT ANOSMIA; CHD7-Related GnRH Deficiency (Kallmann Syndrome 5). Identifiers: Orphanet 478, MedGen C3552553, MONDO:0012880, OMIM 612370. Disease mechanism: loss of function.

Allele frequency attached by ClinVar (database versions not stated): gnomAD exomes below 0.00001; TOPMed below 0.00001; gnomAD 0.00001.
gnomAD v4.1: 2 of 1,578,002 alleles (0.00013%); highest among the groups gnomAD compares: Admixed American, 0.0019%; no homozygotes.

Submission:

Center for Genomics, Ann and Robert H. Lurie Children's Hospital of Chicago
Classification: Uncertain significance for Hypogonadotropic hypogonadism 5 with or without anosmia; CHD7-related CHARGE syndrome. Review status: criteria provided, single submitter. Criteria: ACMG Guidelines, 2015. Collection method: clinical testing. Allele origin: germline.
Comment: CHD7 NM_017780.3 exon 3 p.Gly636= (c.1908G>A): This variant has not been reported in the literature and is not present in large control databases. Evolutionary conservation and computational predictive tools for this variant are limited or unavailable. Of note, this variant is a silent variant and does not change the amino acid, reducing the probability that this variant is disease causing. In summary, data on this variant is insufficient for disease classification. Therefore, the clinical significance of this variant is uncertain.

NM_017780.4(CHD7):c.1908G>A (p.Gly636=)

Genes: CHD7 (chromodomain helicase DNA binding protein 7; plus strand), LOC126860403 (CDK7 strongly-dependent group 2 enhancer GRCh37_chr8:61693034-61694233; plus strand). Cytogenetic location: 8q12.2.
Variant type: single nucleotide variant.
Coding change: c.1908G>A on transcript NM_017780.4 (MANE Select); coding-DNA position 1908, G replaced by A.
Protein change: p.Gly636=; no amino-acid change (glycine 636 retained).
Molecular consequence: synonymous variant. On other transcripts: intron variant (1).
Genome position (GRCh38, 1-based): chr8:60,781,242, G>A. VCF-style: chr8-60781242-G-A. GRCh37 (hg19) VCF-style: chr8-61693801-G-A.
Other names: c.1716+192G>A (NM_001316690.1).
Identifiers: ClinVar variation 626084 (VCV000626084.3), dbSNP rs923306494, ClinGen allele CA177334926.